The following is an entry in ClinVar:

NM_001077365.2(POMT1):c.986+246G>A

Gene: POMT1 (protein O-mannosyltransferase 1; plus strand). Cytogenetic location: 9q34.13.
Variant type: single nucleotide variant.
Coding change: c.986+246G>A on transcript NM_001077365.2 (MANE Select); 246 bases into the intron after coding-DNA position 986, G replaced by A.
Molecular consequence: intron variant.
Genome position (GRCh38, 1-based): chr9:131,511,713, G>A. VCF-style: chr9-131511713-G-A. GRCh37 (hg19) VCF-style: chr9-134387100-G-A.
Other names: c.890+246G>A (NM_001353198.2, NM_001353197.2); c.1052+246G>A (NM_001353193.2, NM_007171.4); c.986+246G>A (NM_001136113.2, NM_001374690.1); c.824+246G>A (NM_001353194.2, NM_001077366.2, NM_001374693.1); c.635+246G>A (NM_001374691.1, NM_001353195.2, NM_001374692.1 and 1 more transcripts); c.896+246G>A (NM_001353196.2); c.596+246G>A (NM_001374695.1); c.974+241G>A (NM_001374689.1); and 2 more.
Identifiers: ClinVar variation 668003 (VCV000668003.2), dbSNP rs3739492, ClinGen allele CA13040137.

ClinVar aggregate classification (germline): Benign. Review status: criteria provided, multiple submitters, no conflicts (2 of 4 stars). 2 submissions from 2 submitters: Benign (2). Last evaluated 2018-06-14.

Allele frequency attached by ClinVar (database versions not stated): 1000 Genomes Project 30x 0.86696; TOPMed 0.86892; 1000 Genomes Project 0.87081; gnomAD 0.88280 and 0.88721; gnomAD exomes 0.94273.
gnomAD v4.1: 544,178 of 586,752 alleles (93%); highest among the groups gnomAD compares: South Asian, 97%; 253,735 homozygotes.

Submissions (2):

GeneDx
Classification: Benign. Last evaluated: 2018-06-14. Review status: criteria provided, single submitter. Criteria: GeneDx Variant Classification (06012015). Collection method: clinical testing. Allele origin: germline. Affected: yes.
Comment: This variant is considered likely benign or benign based on one or more of the following criteria: it is a conservative change, it occurs at a poorly conserved position in the protein, it is predicted to be benign by multiple in silico algorithms, and/or has population frequency not consistent with disease.

Breakthrough Genomics
Classification: Benign. Review status: criteria provided, single submitter. Criteria: ACMG Guidelines, 2015. Collection method: not provided. Allele origin: germline. Inheritance: Autosomal recessive inheritance. Affected: yes.